The following is an entry in ClinVar:

NM_001378974.1(FBXW11):c.623G>T (p.Trp208Leu)

Gene: FBXW11 (F-box and WD repeat domain containing 11; minus strand). Cytogenetic location: 5q35.1.
Variant type: single nucleotide variant.
Coding change: c.623G>T on transcript NM_001378974.1 (MANE Select); coding-DNA position 623, G replaced by T.
Protein change: p.Trp208Leu; replaces tryptophan 208 with leucine.
Molecular consequence: missense variant.
Genome position (GRCh38, 1-based): chr5:171,899,914, C>A on the plus strand (G>T on the coding strand, the complement: FBXW11 is on the minus strand). VCF-style: chr5-171899914-C-A. GRCh37 (hg19) VCF-style: chr5-171326918-C-A.
Other names: c.554G>T, p.Trp185Leu (NM_001378975.1); c.527G>T, p.Trp176Leu (NM_001378976.1); c.464G>T, p.Trp155Leu (NM_001378977.1, NM_001378978.1, NM_001378979.1); c.458G>T, p.Trp153Leu (NM_001378980.1, NM_033645.3); c.560G>T, p.Trp187Leu (NM_012300.3); c.521G>T, p.Trp174Leu (NM_033644.3); short protein forms W153L, W155L, W174L, W176L, W185L, W187L, W208L.
Identifiers: ClinVar variation 1804499 (VCV001804499.1), dbSNP rs2480270537, ClinGen allele CA362210975.

ClinVar aggregate classification (germline): Uncertain significance (1 of 4 stars; one submission).

Submission:

GeneDx
Classification: Uncertain significance. Last evaluated: 2022-06-15. Review status: criteria provided, single submitter. Criteria: GeneDx Variant Classification Process June 2021. Collection method: clinical testing. Allele origin: germline. Affected: yes.
Comment: Not observed at significant frequency in large population cohorts (gnomAD); In silico analysis supports that this missense variant has a deleterious effect on protein structure/function; In silico analysis, which includes splice predictors and evolutionary conservation, suggests this variant may impact gene splicing. In the absence of RNA/functional studies, the actual effect of this sequence change is unknown.; Has not been previously published as pathogenic or benign to our knowledge